The following is an entry in ClinVar:

ClinVar aggregate classification (germline): Uncertain significance. Review status: criteria provided, multiple submitters, no conflicts (2 of 4 stars). 2 submissions from 2 submitters: Uncertain significance (2). Last evaluated 2025-12-07.

Conditions:
Hereditary cancer-predisposing syndrome. Also called: Tumor predisposition; Hereditary Cancer Syndrome; Neoplastic Syndromes, Hereditary; Hereditary neoplastic syndrome. Identifiers: Orphanet 140162, MedGen C0027672, MeSH D009386, MONDO:0015356.

gnomAD v4.1: 21 of 1,583,812 alleles (0.0013%); highest among the groups gnomAD compares: Non-Finnish European, 0.0018%; no homozygotes.

Submissions (2):

Ambry Genetics
Classification: Uncertain significance for Hereditary cancer-predisposing syndrome. Last evaluated: 2025-12-07. Review status: criteria provided, single submitter. Criteria: Ambry Variant Classification Scheme 2023. Collection method: clinical testing. Allele origin: germline.
Comment: The p.A940T variant (also known as c.2818G>A), located in coding exon 17 of the RAD50 gene, results from a G to A substitution at nucleotide position 2818. The alanine at codon 940 is replaced by threonine, an amino acid with similar properties. This amino acid position is not well conserved in available vertebrate species. In addition, this alteration is predicted to be tolerated by in silico analysis. Since supporting evidence is limited at this time, the clinical significance of this alteration remains unclear.

Labcorp Genetics (formerly Invitae), Labcorp
Classification: Uncertain significance for Hereditary cancer-predisposing syndrome. Last evaluated: 2023-09-27. Review status: criteria provided, single submitter. Criteria: Invitae Variant Classification Sherloc (09022015). Collection method: clinical testing. Allele origin: germline.
Comment: ClinVar contains an entry for this variant (Variation ID: 821848). In summary, the available evidence is currently insufficient to determine the role of this variant in disease. Therefore, it has been classified as a Variant of Uncertain Significance. Advanced modeling of protein sequence and biophysical properties (such as structural, functional, and spatial information, amino acid conservation, physicochemical variation, residue mobility, and thermodynamic stability) performed at Invitae indicates that this missense variant is not expected to disrupt RAD50 protein function. This variant has not been reported in the literature in individuals affected with RAD50-related conditions. This variant is not present in population databases (gnomAD no frequency). This sequence change replaces alanine, which is neutral and non-polar, with threonine, which is neutral and polar, at codon 940 of the RAD50 protein (p.Ala940Thr).

NM_005732.4(RAD50):c.2818G>A (p.Ala940Thr)

Gene: RAD50 (RAD50 double strand break repair protein; plus strand). Cytogenetic location: 5q31.1.
Variant type: single nucleotide variant.
Coding change: c.2818G>A on transcript NM_005732.4 (MANE Select); coding-DNA position 2818, G replaced by A.
Protein change: p.Ala940Thr; replaces alanine 940 with threonine.
Molecular consequence: missense variant.
Genome position (GRCh38, 1-based): chr5:132,608,714, G>A. VCF-style: chr5-132608714-G-A. GRCh37 (hg19) VCF-style: chr5-131944406-G-A.
Other names: short protein forms A940T.
Identifiers: ClinVar variation 821848 (VCV000821848.8), dbSNP rs1581004318, ClinGen allele CA360959197.